The following is an entry in ClinVar:

ClinVar aggregate classification (germline): Uncertain significance (1 of 4 stars; one submission).

Submission:

Ambry Genetics
Classification: Uncertain significance. Last evaluated: 2024-04-09. Review status: criteria provided, single submitter. Criteria: Ambry Variant Classification Scheme 2023. Collection method: clinical testing. Allele origin: germline.
Comment: The p.V549L variant (also known as c.1645G>C), located in coding exon 11 of the RINT1 gene, results from a G to C substitution at nucleotide position 1645. The valine at codon 549 is replaced by leucine, an amino acid with highly similar properties. This amino acid position is conserved. In addition, this alteration is predicted to be tolerated by in silico analysis. Based on the available evidence, the clinical significance of this variant remains unclear.

NM_021930.6(RINT1):c.1645G>C (p.Val549Leu)

Gene: RINT1 (RAD50 interactor 1; plus strand). Cytogenetic location: 7q22.3.
Variant type: single nucleotide variant.
Coding change: c.1645G>C on transcript NM_021930.6 (MANE Select); coding-DNA position 1645, G replaced by C.
Protein change: p.Val549Leu; replaces valine 549 with leucine.
Molecular consequence: missense variant.
Genome position (GRCh38, 1-based): chr7:105,555,201, G>C. VCF-style: chr7-105555201-G-C. GRCh37 (hg19) VCF-style: chr7-105195648-G-C.
Other names: c.1411G>C, p.Val471Leu (NM_001346599.2); c.622G>C, p.Val208Leu (NM_001346600.2, NM_001346603.2); c.721G>C, p.Val241Leu (NM_001346601.2); short protein forms V549L, V208L, V241L, V471L.
Identifiers: ClinVar variation 3314447 (VCV003314447.1).